The following is an entry in ClinVar:

NM_020117.11(LARS1):c.2991+239T>C

Genes: LARS1 (leucyl-tRNA synthetase 1; minus strand), LOC132089170 (Neanderthal introgressed variant-containing enhancer experimental_81266; plus strand). Cytogenetic location: 5q32.
Variant type: single nucleotide variant.
Coding change: c.2991+239T>C on transcript NM_020117.11 (MANE Select); 239 bases into the intron after coding-DNA position 2991, T replaced by C.
Molecular consequence: intron variant.
Genome position (GRCh38, 1-based): chr5:146,126,196, A>G on the plus strand (T>C on the coding strand, the complement: LARS1 is on the minus strand). VCF-style: chr5-146126196-A-G. GRCh37 (hg19) VCF-style: chr5-145505759-A-G.
Other names: c.2829+239T>C (NM_001317965.2); c.2910+239T>C (NM_016460.4); c.2853+239T>C (NM_001317964.2).
Identifiers: ClinVar variation 670036 (VCV000670036.1), dbSNP rs3749994, ClinGen allele CA128890316.

ClinVar aggregate classification (germline): Benign (1 of 4 stars; one submission).

Allele frequency attached by ClinVar (database versions not stated): 1000 Genomes Project 30x 0.18067; 1000 Genomes Project 0.18171; gnomAD 0.22118 and 0.22214; TOPMed 0.22136.
gnomAD v4.1: 33,821 of 152,006 alleles (22%); highest among the groups gnomAD compares: Admixed American, 34%; 4,820 homozygotes.

Submission:

GeneDx
Classification: Benign. Last evaluated: 2018-06-14. Review status: criteria provided, single submitter. Criteria: GeneDx Variant Classification (06012015). Collection method: clinical testing. Allele origin: germline. Affected: yes.
Comment: This variant is considered likely benign or benign based on one or more of the following criteria: it is a conservative change, it occurs at a poorly conserved position in the protein, it is predicted to be benign by multiple in silico algorithms, and/or has population frequency not consistent with disease.